The following is an entry in ClinVar:

NM_174878.3(CLRN1):c.160C>G (p.Leu54Val)

Gene: CLRN1 (clarin 1; minus strand). Cytogenetic location: 3q25.1.
Variant type: single nucleotide variant.
Coding change: c.160C>G on transcript NM_174878.3 (MANE Select); coding-DNA position 160, C replaced by G.
Protein change: p.Leu54Val; replaces leucine 54 with valine.
Molecular consequence: missense variant. On other transcripts: non-coding transcript variant (1).
Genome position (GRCh38, 1-based): chr3:150,972,549, G>C on the plus strand (C>G on the coding strand, the complement: CLRN1 is on the minus strand). VCF-style: chr3-150972549-G-C. GRCh37 (hg19) VCF-style: chr3-150690336-G-C.
Other names: c.160C>G, p.Leu54Val (NM_001195794.1, NM_001256819.2); short protein forms L54V.
Identifiers: ClinVar variation 2165101 (VCV002165101.1), dbSNP rs770667302, ClinGen allele CA2666201.
Genomic context (GRCh38, chr3:150,972,549, plus strand): 5'-ACTGCCTCACACCCTCTCCGTGGAAAAGCCCGTACTGCATTTCACCCATAAACTTGTCCA[G>C]CTCCTGCCCTGAGGCATTGACGAGCAGAGCTCCCGTTTTGCAGAGGACAGTGGCTTTGAT-3'
Protein context (NP_777367.1, residues 44-64): ALLVNASGQE[Leu54Val]DKFMGEMQYG

ClinVar aggregate classification (germline): Uncertain significance (1 of 4 stars; one submission).

Allele frequency attached by ClinVar (database versions not stated): TOPMed below 0.00001; gnomAD exomes 0.00001.
gnomAD v4.1: 13 of 1,614,036 alleles (0.00081%); highest among the groups gnomAD compares: Non-Finnish European, 0.0011%; no homozygotes.

Submission:

Labcorp Genetics (formerly Invitae), Labcorp
Classification: Uncertain significance. Last evaluated: 2022-09-13. Review status: criteria provided, single submitter. Criteria: Invitae Variant Classification Sherloc (09022015). Collection method: clinical testing. Allele origin: germline.
Comment: This sequence change replaces leucine, which is neutral and non-polar, with valine, which is neutral and non-polar, at codon 54 of the CLRN1 protein (p.Leu54Val). This variant is present in population databases (rs770667302, gnomAD 0.003%). This variant has not been reported in the literature in individuals affected with CLRN1-related conditions. Algorithms developed to predict the effect of missense changes on protein structure and function are either unavailable or do not agree on the potential impact of this missense change (SIFT: "Tolerated"; PolyPhen-2: "Probably Damaging"; Align-GVGD: "Class C0"). Algorithms developed to predict the effect of sequence changes on RNA splicing suggest that this variant may create or strengthen a splice site. In summary, the available evidence is currently insufficient to determine the role of this variant in disease. Therefore, it has been classified as a Variant of Uncertain Significance.